The following is an entry in ClinVar:

NM_001253697.2(ERBIN):c.3169T>C (p.Trp1057Arg)

Gene: ERBIN (erbb2 interacting protein; plus strand). Cytogenetic location: 5q12.3.
Variant type: single nucleotide variant.
Coding change: c.3169T>C on transcript NM_001253697.2 (MANE Select); coding-DNA position 3169, T replaced by C.
Protein change: p.Trp1057Arg; replaces tryptophan 1057 with arginine.
Molecular consequence: missense variant.
Genome position (GRCh38, 1-based): chr5:66,054,487, T>C. VCF-style: chr5-66054487-T-C. GRCh37 (hg19) VCF-style: chr5-65350315-T-C.
Other names: c.3169T>C, p.Trp1057Arg (NM_001006600.3, NM_001253698.2, NM_001253699.2 and 1 more transcripts); c.3157T>C, p.Trp1053Arg (NM_001253701.2); short protein forms W1057R, W1053R.
Identifiers: ClinVar variation 1485547 (VCV001485547.8), dbSNP rs775041506, ClinGen allele CA3286601.

ClinVar aggregate classification (germline): Uncertain significance (1 of 4 stars; one submission).

Allele frequency attached by ClinVar (database versions not stated): ExAC 0.00002; gnomAD exomes 0.00004 and 0.00010; TOPMed 0.00004; gnomAD 0.00005.
gnomAD v4.1: 155 of 1,614,066 alleles (0.0096%); highest among the groups gnomAD compares: Non-Finnish European, 0.013%; no homozygotes.

Submission:

Labcorp Genetics (formerly Invitae), Labcorp
Classification: Uncertain significance. Last evaluated: 2024-07-23. Review status: criteria provided, single submitter. Criteria: Invitae Variant Classification Sherloc (09022015). Collection method: clinical testing. Allele origin: germline.
Comment: This sequence change replaces tryptophan, which is neutral and slightly polar, with arginine, which is basic and polar, at codon 1057 of the ERBIN protein (p.Trp1057Arg). This variant is present in population databases (rs775041506, gnomAD 0.009%). This variant has not been reported in the literature in individuals affected with ERBIN-related conditions. ClinVar contains an entry for this variant (Variation ID: 1485547). An algorithm developed to predict the effect of missense changes on protein structure and function (PolyPhen-2) suggests that this variant is likely to be disruptive. In summary, the available evidence is currently insufficient to determine the role of this variant in disease. Therefore, it has been classified as a Variant of Uncertain Significance.